The following is an entry in ClinVar:

NM_001242898.2(PPP6R2):c.2350C>T (p.Arg784Trp)

Gene: PPP6R2 (protein phosphatase 6 regulatory subunit 2; plus strand). Cytogenetic location: 22q13.33.
Variant type: single nucleotide variant.
Coding change: c.2350C>T on transcript NM_001242898.2 (MANE Select); coding-DNA position 2350, C replaced by T.
Protein change: p.Arg784Trp; replaces arginine 784 with tryptophan.
Molecular consequence: missense variant.
Genome position (GRCh38, 1-based): chr22:50,440,025, C>T. VCF-style: chr22-50440025-C-T. GRCh37 (hg19) VCF-style: chr22-50878454-C-T.
Other names: c.2272C>T, p.Arg758Trp (NM_001242899.2, NM_001242900.2, NM_001351644.2); c.2353C>T, p.Arg785Trp (NM_001351641.2, NM_001351642.2); c.2350C>T, p.Arg784Trp (NM_001351643.2, NM_001365836.1); c.2269C>T, p.Arg757Trp (NM_001351645.2, NM_014678.5); c.2266C>T, p.Arg756Trp (NM_001351646.2); c.1864C>T, p.Arg622Trp (NM_001351647.2); c.1783C>T, p.Arg595Trp (NM_001351648.2); short protein forms R784W, R785W, R622W, R756W, R595W, R757W, R758W.
Identifiers: ClinVar variation 161576 (VCV000161576.2), dbSNP rs193920858, ClinGen allele CA174379.

ClinVar aggregate classification (germline): Uncertain significance (0 of 4 stars; one submission).

Conditions:
Prostate cancer. Also called: Malignant tumor of prostate. Identifiers: Orphanet 1331, MedGen C0376358, MONDO:0008315, HP:0012125.

Allele frequency attached by ClinVar (database versions not stated): gnomAD 0.00011; ExAC 0.00005; TOPMed 0.00014; gnomAD exomes 0.00015 and 0.00006.
gnomAD v4.1: 249 of 1,613,190 alleles (0.015%); highest among the groups gnomAD compares: Non-Finnish European, 0.019%; no homozygotes.

Submission:

Science for Life laboratory,  Karolinska Institutet
Classification: Uncertain significance for Malignant tumor of prostate. Review status: no assertion criteria provided. Collection method: not provided. Allele origin: somatic.
Comment: TumorID:SWE-16
ClinVar note: Converted during submission from Unknown to Uncertain significance.